The following is an entry in ClinVar:

NM_001211.6(BUB1B):c.2511A>T (p.Gln837His)

Gene: BUB1B (BUB1 mitotic checkpoint serine/threonine kinase B; plus strand). Cytogenetic location: 15q15.1.
Variant type: single nucleotide variant.
Coding change: c.2511A>T on transcript NM_001211.6 (MANE Select); coding-DNA position 2511, A replaced by T.
Protein change: p.Gln837His; replaces glutamine 837 with histidine.
Molecular consequence: missense variant.
Genome position (GRCh38, 1-based): chr15:40,212,624, A>T. VCF-style: chr15-40212624-A-T. GRCh37 (hg19) VCF-style: chr15-40504825-A-T.
Other names: short protein forms Q837H.
Identifiers: ClinVar variation 2415305 (VCV002415305.6), dbSNP rs2037728486, ClinGen allele CA391695512.

ClinVar aggregate classification (germline): Uncertain significance (1 of 4 stars; one submission).

Conditions:
Mosaic variegated aneuploidy syndrome 1 (MVA1). Also called: Warburton-Anyane-Yeboa syndrome. Identifiers: Orphanet 1052, MedGen C1850343, MONDO:0009759, OMIM 257300.

Submission:

Labcorp Genetics (formerly Invitae), Labcorp
Classification: Uncertain significance for Mosaic variegated aneuploidy syndrome 1. Last evaluated: 2024-04-16. Review status: criteria provided, single submitter. Criteria: Invitae Variant Classification Sherloc (09022015). Collection method: clinical testing. Allele origin: germline.
Comment: This sequence change replaces glutamine, which is neutral and polar, with histidine, which is basic and polar, at codon 837 of the BUB1B protein (p.Gln837His). This variant is not present in population databases (gnomAD no frequency). This variant has not been reported in the literature in individuals affected with BUB1B-related conditions. ClinVar contains an entry for this variant (Variation ID: 2415305). An algorithm developed to predict the effect of missense changes on protein structure and function (PolyPhen-2) suggests that this variant is likely to be disruptive. In summary, the available evidence is currently insufficient to determine the role of this variant in disease. Therefore, it has been classified as a Variant of Uncertain Significance.